The following is an entry in ClinVar:

NM_006308.3(HSPB3):c.246del (p.Glu83fs)

Gene: HSPB3 (heat shock protein family B (small) member 3; plus strand). Cytogenetic location: 5q11.2.
Variant type: Deletion.
Coding change: c.246del on transcript NM_006308.3 (MANE Select); coding-DNA position 246, one base deleted (T; older notation c.246delT).
Protein change: p.Glu83fs; shifts the reading frame from glutamic acid 83.
Molecular consequence: frameshift variant.
Genome position (GRCh38, 1-based): chr5:54,456,035, T deleted. VCF-style (leftmost placement, unchanged base first): chr5-54456034-CT-C. GRCh37 (hg19) VCF-style: chr5-53751864-CT-C.
Other names: short protein forms E83fs.
Identifiers: ClinVar variation 955679 (VCV000955679.9), dbSNP rs772319292, ClinGen allele CA3264643.

ClinVar aggregate classification (germline): Uncertain significance (1 of 4 stars; one submission).

Conditions:
Neuronopathy, distal hereditary motor, type 2C. Also called: NEUROPATHY, DISTAL HEREDITARY MOTOR, AUTOSOMAL DOMINANT 4; NEURONOPATHY, DISTAL HEREDITARY MOTOR, HARDING TYPE IIC; NEUROPATHY, DISTAL HEREDITARY MOTOR, HARDING TYPE IIC; HMN IIC. Identifiers: Orphanet 139525, MedGen C3150619, MONDO:0013243, OMIM 613376.

Allele frequency attached by ClinVar (database versions not stated): gnomAD 0.00001; gnomAD exomes 0.00003 and 0.00001; ExAC 0.00005.

Submission:

Labcorp Genetics (formerly Invitae), Labcorp
Classification: Uncertain significance for Neuronopathy, distal hereditary motor, type 2C. Last evaluated: 2019-11-08. Review status: criteria provided, single submitter. Criteria: Invitae Variant Classification Sherloc (09022015). Collection method: clinical testing. Allele origin: germline.
Comment: In summary, the available evidence is currently insufficient to determine the role of this variant in disease. Therefore, it has been classified as a Variant of Uncertain Significance. This variant has not been reported in the literature in individuals with HSPB3-related conditions. This variant is present in population databases (rs772319292, ExAC 0.009%). This sequence change results in a premature translational stop signal in the HSPB3 gene (p.Glu83Lysfs*13). While this is not anticipated to result in nonsense mediated decay, it is expected to disrupt the last 68 amino acids of the HSPB3 protein.